The following is an entry in ClinVar:

ClinVar aggregate classification (germline): Uncertain significance. Review status: criteria provided, multiple submitters, no conflicts (2 of 4 stars). 2 submissions from 2 submitters: Uncertain significance (2). Last evaluated 2026-03-04.

Conditions:
Hereditary cancer-predisposing syndrome. Also called: Tumor predisposition; Hereditary neoplastic syndrome; Hereditary Cancer Syndrome; Neoplastic Syndromes, Hereditary. Identifiers: Orphanet 140162, MedGen C0027672, MeSH D009386, MONDO:0015356.

Submissions (2):

Ambry Genetics
Classification: Uncertain significance for Hereditary cancer-predisposing syndrome. Last evaluated: 2026-03-04. Review status: criteria provided, single submitter. Criteria: Ambry Variant Classification Scheme 2023. Collection method: clinical testing. Allele origin: germline.
Comment: The p.P137R variant (also known as c.410C>G), located in coding exon 4 of the FH gene, results from a C to G substitution at nucleotide position 410. The proline at codon 137 is replaced by arginine, an amino acid with dissimilar properties. This amino acid position is conserved. In addition, this alteration is predicted to be deleterious by in silico analysis. Based on the available evidence, the clinical significance of this variant remains unclear.

Labcorp Genetics (formerly Invitae), Labcorp
Classification: Uncertain significance. Last evaluated: 2019-06-11. Review status: criteria provided, single submitter. Criteria: Invitae Variant Classification Sherloc (09022015). Collection method: clinical testing. Allele origin: germline.
Comment: In summary, the available evidence is currently insufficient to determine the role of this variant in disease. Therefore, it has been classified as a Variant of Uncertain Significance. Algorithms developed to predict the effect of missense changes on protein structure and function (SIFT, PolyPhen-2, Align-GVGD) all suggest that this variant is likely to be disruptive, but these predictions have not been confirmed by published functional studies and their clinical significance is uncertain. This variant has not been reported in the literature in individuals with FH-related conditions. This variant is not present in population databases (ExAC no frequency). This sequence change replaces proline with arginine at codon 137 of the FH protein (p.Pro137Arg). The proline residue is highly conserved and there is a moderate physicochemical difference between proline and arginine.

NM_000143.4(FH):c.410C>G (p.Pro137Arg)

Gene: FH (fumarate hydratase; minus strand). Cytogenetic location: 1q43.
Variant type: single nucleotide variant.
Coding change: c.410C>G on transcript NM_000143.4 (MANE Select); coding-DNA position 410, C replaced by G.
Protein change: p.Pro137Arg; replaces proline 137 with arginine.
Molecular consequence: missense variant.
Genome position (GRCh38, 1-based): chr1:241,512,112, G>C on the plus strand (C>G on the coding strand, the complement: FH is on the minus strand). VCF-style: chr1-241512112-G-C. GRCh37 (hg19) VCF-style: chr1-241675412-G-C.
Other names: short protein forms P137R.
Identifiers: ClinVar variation 943230 (VCV000943230.12), dbSNP rs1660101853, ClinGen allele CA345440161.